The following is an entry in ClinVar:

NM_006744.4(RBP4):c.277G>A (p.Gly93Ser)

Gene: RBP4 (retinol binding protein 4; minus strand). Cytogenetic location: 10q23.33.
Variant type: single nucleotide variant.
Coding change: c.277G>A on transcript NM_006744.4 (MANE Select); coding-DNA position 277, G replaced by A.
Protein change: p.Gly93Ser; replaces glycine 93 with serine.
Molecular consequence: missense variant.
Genome position (GRCh38, 1-based): chr10:93,600,471, C>T on the plus strand (G>A on the coding strand, the complement: RBP4 is on the minus strand). VCF-style: chr10-93600471-C-T. GRCh37 (hg19) VCF-style: chr10-95360228-C-T.
Other names: c.277G>A, p.Gly93Ser (NM_001323517.1); c.271G>A, p.Gly91Ser (NM_001323518.2); c.277G>A (NM_006744.3); short protein forms G91S, G93S.
Identifiers: ClinVar variation 2751413 (VCV002751413.5), dbSNP rs200867321, ClinGen allele CA211557803.

ClinVar aggregate classification (germline): Uncertain significance. Review status: criteria provided, multiple submitters, no conflicts (2 of 4 stars). 3 submissions from 3 submitters: Uncertain significance (3). Last evaluated 2025-05-17.

Conditions:
Inborn genetic diseases. Identifiers: MedGen C0950123, MeSH D030342.

Allele frequency attached by ClinVar (database versions not stated): gnomAD exomes 0.00001; gnomAD 0.00003; TOPMed 0.00009; 1000 Genomes Project 30x 0.00016; 1000 Genomes Project 0.00020.
gnomAD v4.1: 8 of 1,614,114 alleles (0.0005%); highest among the groups gnomAD compares: Admixed American, 0.013%; no homozygotes.

Submissions (3):

Labcorp Genetics (formerly Invitae), Labcorp
Classification: Uncertain significance. Last evaluated: 2025-05-17. Review status: criteria provided, single submitter. Criteria: Invitae Variant Classification Sherloc (09022015). Collection method: clinical testing. Allele origin: germline.
Comment: This sequence change replaces glycine, which is neutral and non-polar, with serine, which is neutral and polar, at codon 93 of the RBP4 protein (p.Gly93Ser). This variant is not present in population databases (gnomAD no frequency). This variant has not been reported in the literature in individuals affected with RBP4-related conditions. ClinVar contains an entry for this variant (Variation ID: 2751413). An algorithm developed to predict the effect of missense changes on protein structure and function (PolyPhen-2) suggests that this variant is likely to be disruptive. In summary, the available evidence is currently insufficient to determine the role of this variant in disease. Therefore, it has been classified as a Variant of Uncertain Significance.

Ambry Genetics
Classification: Uncertain significance for Inborn genetic diseases. Last evaluated: 2024-01-16. Review status: criteria provided, single submitter. Criteria: Ambry Variant Classification Scheme 2023. Collection method: clinical testing. Allele origin: germline.

Blueprint Genetics
Classification: Uncertain significance. Last evaluated: 2022-03-30. Review status: criteria provided, single submitter. Criteria: ACMG Guidelines, 2015. Collection method: clinical testing. Allele origin: germline.